The following is an entry in ClinVar:

ClinVar aggregate classification (germline): Benign/Likely benign. Review status: criteria provided, multiple submitters, no conflicts (2 of 4 stars). 6 submissions from 4 submitters: Benign (3); Likely benign (3). Last evaluated 2026-07-01.

Conditions:
Familial cylindromatosis. Also called: Turban tumor syndrome; ANCELL-SPIEGLER CYLINDROMAS. Identifiers: Orphanet 211, Orphanet 79493, MedGen C1851526, MONDO:0007565, OMIM 132700.
Brooke-Spiegler syndrome. Also called: CYLD Cutaneous Syndrome. Identifiers: Orphanet 79493, MedGen C1857941, MONDO:0011512, OMIM 605041.
Familial multiple trichoepitheliomata. Also called: Familial multiple trichoepithelioma. Identifiers: Orphanet 79493, Orphanet 867, MedGen C1275122, MONDO:0011114.

Allele frequency attached by ClinVar (database versions not stated): gnomAD exomes 0.00021; ExAC 0.00022; gnomAD 0.00025 and 0.00037; 1000 Genomes Project 30x 0.00031; ESP Exome Variant Server 0.00034; 1000 Genomes Project 0.00040; TOPMed 0.00040.
gnomAD v4.1: 580 of 1,614,090 alleles (0.036%); highest among the groups gnomAD compares: Admixed American, 0.043%; no homozygotes.

Submissions (6):

CeGaT Center for Human Genetics Tuebingen
Classification: Likely benign. Last evaluated: 2026-07-01. Review status: criteria provided, single submitter. Criteria: CeGaT Center For Human Genetics Tuebingen Variant Classification Criteria Version 2. Collection method: clinical testing. Allele origin: germline. Affected: yes. Observed: 1 variant allele.
Comment: CYLD: BP4, BP7

Labcorp Genetics (formerly Invitae), Labcorp
Classification: Likely benign. Last evaluated: 2024-09-06. Review status: criteria provided, single submitter. Criteria: Invitae Variant Classification Sherloc (09022015). Collection method: clinical testing. Allele origin: germline.

Blueprint Genetics
Classification: Likely benign. Last evaluated: 2024-08-28. Review status: criteria provided, single submitter. Criteria: ACMG Guidelines, 2015. Collection method: clinical testing. Allele origin: germline.

Illumina Laboratory Services, Illumina
Classification: Benign for Brooke-Spiegler syndrome. Last evaluated: 2018-01-13. Review status: criteria provided, single submitter. Criteria: ICSL Variant Classification Criteria 13 December 2019. Collection method: clinical testing. Allele origin: germline.
Comment: This variant was observed in the ICSL laboratory as part of a predisposition screen in an ostensibly healthy population. It had not been previously curated by ICSL or reported in the Human Gene Mutation Database (HGMD: prior to June 1st, 2018), and was therefore a candidate for classification through an automated scoring system. Utilizing variant allele frequency, disease prevalence and penetrance estimates, and inheritance mode, an automated score was calculated to assess if this variant is too frequent to cause the disease. Based on the score and internal cut-off values, a variant classified as benign is not then subjected to further curation. The score for this variant resulted in a classification of benign for this disease.

Illumina Laboratory Services, Illumina
Classification: Benign for Familial cylindromatosis. Last evaluated: 2018-01-13. Review status: criteria provided, single submitter. Criteria: ICSL Variant Classification Criteria 13 December 2019. Collection method: clinical testing. Allele origin: germline.
Comment: the same text as in the submission from Illumina Laboratory Services, Illumina above.

Illumina Laboratory Services, Illumina
Classification: Benign for Trichoepithelioma, multiple familial, 1. Last evaluated: 2018-01-13. Review status: criteria provided, single submitter. Criteria: ICSL Variant Classification Criteria 13 December 2019. Collection method: clinical testing. Allele origin: germline.
Comment: the same text as in the submission from Illumina Laboratory Services, Illumina above.

NM_001378743.1(CYLD):c.126G>A (p.Pro42=)

Gene: CYLD (CYLD lysine 63 deubiquitinase; plus strand). Cytogenetic location: 16q12.1.
Variant type: single nucleotide variant.
Coding change: c.126G>A on transcript NM_001378743.1 (MANE Select); coding-DNA position 126, G replaced by A.
Protein change: p.Pro42=; no amino-acid change (proline 42 retained).
Molecular consequence: synonymous variant. On other transcripts: 5 prime UTR variant (2), non-coding transcript variant (1).
Genome position (GRCh38, 1-based): chr16:50,749,824, G>A. VCF-style: chr16-50749824-G-A. GRCh37 (hg19) VCF-style: chr16-50783735-G-A.
Other names: c.126G>A, p.Pro42= (NM_001042355.2, NM_001042412.3, NM_001378744.1 and 10 more transcripts); c.-537G>A (NM_001378754.1, NM_001378755.1).
Identifiers: ClinVar variation 319498 (VCV000319498.9), dbSNP rs202119806, ClinGen allele CA8052131.